The following is an entry in ClinVar:

ClinVar aggregate classification (germline): Uncertain significance (1 of 4 stars; one submission).

Conditions:
NEDD4L-related disorder. Also called: NEDD4L-related condition.

Allele frequency attached by ClinVar (database versions not stated): gnomAD exomes below 0.00001; TOPMed below 0.00001.
gnomAD v4.1: 4 of 1,611,892 alleles (0.00025%); highest among the groups gnomAD compares: Non-Finnish European, 0.00034%; no homozygotes.

Submission:

PreventionGenetics, part of Exact Sciences
Classification: Uncertain significance for NEDD4L-related condition. Last evaluated: 2023-07-05. Review status: criteria provided, single submitter. Criteria: ACMG Guidelines, 2015. Collection method: clinical testing. Allele origin: germline.
Comment: The NEDD4L c.1114G>C variant is predicted to result in the amino acid substitution p.Glu372Gln. To our knowledge, this variant has not been reported in the literature or in a large population database, indicating this variant is rare. At this time, the clinical significance of this variant is uncertain due to the absence of conclusive functional and genetic evidence.

NM_001144967.3(NEDD4L):c.1174G>C (p.Glu392Gln)

Gene: NEDD4L (NEDD4 like E3 ubiquitin protein ligase; plus strand). Cytogenetic location: 18q21.31.
Variant type: single nucleotide variant.
Coding change: c.1174G>C on transcript NM_001144967.3 (MANE Select); coding-DNA position 1174, G replaced by C.
Protein change: p.Glu392Gln; replaces glutamic acid 392 with glutamine.
Molecular consequence: missense variant. On other transcripts: intron variant (1).
Genome position (GRCh38, 1-based): chr18:58,341,086, G>C. VCF-style: chr18-58341086-G-C. GRCh37 (hg19) VCF-style: chr18-56008318-G-C.
Other names: c.811G>C, p.Glu271Gln (NM_001144964.1, NM_001144965.2, NM_001144966.3); c.1150G>C, p.Glu384Gln (NM_001144968.2); c.1090G>C, p.Glu364Gln (NM_001144969.2); c.751G>C, p.Glu251Gln (NM_001144970.3, NM_001144971.2); c.1114G>C, p.Glu372Gln (NM_015277.6); c.1066-592G>C (NM_001243960.2); short protein forms E251Q, E271Q, E364Q, E372Q, E384Q, E392Q.
Identifiers: ClinVar variation 2634903 (VCV002634903.1), dbSNP rs1010706982, ClinGen allele CA300922054.
Genomic context (GRCh38, chr18:58,341,086, plus strand): 5'-TTGCACAAACAGCCATCAGTGGCCTATGTACATACCACGCCGGGTCTGCCTTCAGGCTGG[G>C]AAGAAAGAAAAGATGCTAAGGGGCGCACATACTATGTCAATCATAACAATCGAACCACAA-3'
Protein context (NP_001138439.1, residues 382-402): HTTPGLPSGW[Glu392Gln]ERKDAKGRTY